The following is an entry in ClinVar:

NM_001080467.3(MYO5B):c.2567G>A (p.Arg856His)

Gene: MYO5B (myosin VB; minus strand). Cytogenetic location: 18q21.1.
Variant type: single nucleotide variant.
Coding change: c.2567G>A on transcript NM_001080467.3 (MANE Select); coding-DNA position 2567, G replaced by A.
Protein change: p.Arg856His; replaces arginine 856 with histidine.
Molecular consequence: missense variant.
Genome position (GRCh38, 1-based): chr18:49,904,676, C>T on the plus strand (G>A on the coding strand, the complement: MYO5B is on the minus strand). VCF-style: chr18-49904676-C-T. GRCh37 (hg19) VCF-style: chr18-47431046-C-T.
Other names: short protein forms R856H.
Identifiers: ClinVar variation 3401578 (VCV003401578.2).

ClinVar aggregate classification (germline): Conflicting classifications of pathogenicity. Review status: criteria provided, conflicting classifications (1 of 4 stars). 2 submissions from 2 submitters: Uncertain significance (1); Likely benign (1). Last evaluated 2025-01-11.

Conditions:
MYO5B-related disorder. Also called: MYO5B-related condition.
Inborn genetic diseases. Identifiers: MedGen C0950123, MeSH D030342.

gnomAD v4.1: 3 of 1,613,666 alleles (0.00019%); highest among the groups gnomAD compares: East Asian, 0.0045%; no homozygotes.

Submissions (2):

PreventionGenetics, part of Exact Sciences
Classification: Uncertain significance for MYO5B-related condition. Last evaluated: 2025-01-11. Review status: criteria provided, single submitter. Criteria: ACMG Guidelines, 2015. Collection method: clinical testing. Allele origin: germline.
Comment: The MYO5B c.2567G>A variant is predicted to result in the amino acid substitution p.Arg856His. To our knowledge, this variant has not been reported in the literature. This variant is reported in 0.0056% of alleles in individuals of East Asian descent in gnomAD. At this time, the clinical significance of this variant is uncertain due to the absence of conclusive functional and genetic evidence.

Ambry Genetics
Classification: Likely benign for Inborn genetic diseases. Last evaluated: 2024-11-26. Review status: criteria provided, single submitter. Criteria: Ambry Variant Classification Scheme 2023. Collection method: clinical testing. Allele origin: germline.